The following is an entry in ClinVar:

ClinVar aggregate classification (germline): Uncertain significance (1 of 4 stars; one submission).

Conditions:
Arrhythmogenic cardiomyopathy with wooly hair and keratoderma. Also called: PALMOPLANTAR KERATODERMA WITH LEFT VENTRICULAR CARDIOMYOPATHY AND WOOLLY HAIR; Carvajal syndrome; Dilated cardiomyopathy with woolly hair and keratoderma; Arrhythmogenic cardiomyopathy with woolly hair and keratoderma. Identifiers: Orphanet 65282, MedGen C1854063, MONDO:0011581, OMIM 605676.
Arrhythmogenic right ventricular dysplasia 8 (ARVD8). Also called: Arrhythmogenic Right Ventricular Dysplasia/Cardiomyopathy 8; ARRHYTHMOGENIC RIGHT VENTRICULAR DYSPLASIA, FAMILIAL, 8; ARRHYTHMOGENIC RIGHT VENTRICULAR CARDIOMYOPATHY 8. Identifiers: MedGen C1843896, MONDO:0011831, OMIM 607450.

Submission:

Labcorp Genetics (formerly Invitae), Labcorp
Classification: Uncertain significance for Arrhythmogenic cardiomyopathy with wooly hair and keratoderma; Arrhythmogenic right ventricular dysplasia 8. Last evaluated: 2023-08-08. Review status: criteria provided, single submitter. Criteria: Invitae Variant Classification Sherloc (09022015). Collection method: clinical testing. Allele origin: germline.
Comment: This sequence change replaces glutamic acid, which is acidic and polar, with aspartic acid, which is acidic and polar, at codon 1081 of the DSP protein (p.Glu1081Asp). This variant is not present in population databases (gnomAD no frequency). This variant has not been reported in the literature in individuals affected with DSP-related conditions. An algorithm developed to predict the effect of missense changes on protein structure and function (PolyPhen-2) suggests that this variant is likely to be tolerated. In summary, the available evidence is currently insufficient to determine the role of this variant in disease. Therefore, it has been classified as a Variant of Uncertain Significance.

NM_004415.4(DSP):c.3243G>T (p.Glu1081Asp)

Gene: DSP (desmoplakin; plus strand). Cytogenetic location: 6p24.3.
Variant type: single nucleotide variant.
Coding change: c.3243G>T on transcript NM_004415.4 (MANE Select); coding-DNA position 3243, G replaced by T.
Protein change: p.Glu1081Asp; replaces glutamic acid 1081 with aspartic acid.
Molecular consequence: missense variant.
Genome position (GRCh38, 1-based): chr6:7,579,433, G>T. VCF-style: chr6-7579433-G-T. GRCh37 (hg19) VCF-style: chr6-7579666-G-T.
Other names: c.3243G>T, p.Glu1081Asp (NM_001008844.3, NM_001319034.2); short protein forms E1081D.
Identifiers: ClinVar variation 2950820 (VCV002950820.3), dbSNP rs761399419, ClinGen allele CA362683390.